The following is an entry in ClinVar:

NM_000551.4(VHL):c.482G>A (p.Arg161Gln)

Genes: VHL (von Hippel-Lindau tumor suppressor; plus strand), LOC107303340 (3p25 von Hippel-Lindau tumor suppressor, E3 ubiquitin protein ligase Alu-mediated recombination region; plus strand). Cytogenetic location: 3p25.3.
Variant type: single nucleotide variant.
Coding change: c.482G>A on transcript NM_000551.4 (MANE Select); coding-DNA position 482, G replaced by A.
Protein change: p.Arg161Gln; replaces arginine 161 with glutamine.
Molecular consequence: missense variant. On other transcripts: 3 prime UTR variant (1).
Genome position (GRCh38, 1-based): chr3:10,149,805, G>A. VCF-style: chr3-10149805-G-A. GRCh37 (hg19) VCF-style: chr3-10191489-G-A.
Other names: p.R161Q:CGA>CAA; c.*36G>A (NM_001354723.2); c.359G>A, p.Arg120Gln (NM_198156.3); short protein forms R161Q, R120Q.
Identifiers: ClinVar variation 182983 (VCV000182983.68), dbSNP rs730882035, ClinGen allele CA020413.

ClinVar aggregate classification (germline): Pathogenic. Review status: criteria provided, multiple submitters, no conflicts (2 of 4 stars). 15 submissions from 15 submitters: Pathogenic (12). 3 of the submissions do not count toward it. Last evaluated 2026-01-26.

Conditions:
Inherited phaeochromocytoma and paraganglioma excluding NF1.
VHL-related disorder. Also called: VHL-related condition.
Hereditary cancer-predisposing syndrome. Also called: Tumor predisposition; Neoplastic Syndromes, Hereditary; Hereditary Cancer Syndrome; Hereditary neoplastic syndrome. Identifiers: Orphanet 140162, MedGen C0027672, MeSH D009386, MONDO:0015356.
Chuvash polycythemia. Also called: POLYCYTHEMIA, VHL-DEPENDENT. Identifiers: Orphanet 238557, MedGen C1837915, MONDO:0009892, OMIM 263400.
Von Hippel-Lindau syndrome (VHLS). Also called: VHL syndrome; von Hippel–Lindau syndrome; Von Hippel-Lindau. Identifiers: Orphanet 892, MedGen C0019562, MONDO:0008667, OMIM 193300. Disease mechanism: loss of function.
Nonpapillary renal cell carcinoma. Identifiers: Orphanet 422526, MedGen CN074294, MONDO:0007763, OMIM 144700.
Pheochromocytoma. Also called: MAX-Related Hereditary Paraganglioma-Pheochromocytoma Syndrome. Identifiers: Orphanet 29072, MedGen C0031511, MONDO:0008233, OMIM 171300, HP:0002666.

Allele frequency attached by ClinVar (database versions not stated): gnomAD exomes below 0.00001.

Submissions 1 to 10 of 15:

Medical and Scientific Branch, Hong Kong Genome Institute
Classification: Pathogenic for Von Hippel-Lindau syndrome. Last evaluated: 2026-01-26. Review status: criteria provided, single submitter. Criteria: ACMG Guidelines, 2015. Collection method: clinical testing. Allele origin: unknown. Affected: yes.

Myriad Genetics, Inc.
Classification: Pathogenic for Von Hippel-Lindau syndrome. Last evaluated: 2026-01-06. Review status: criteria provided, single submitter. Criteria: Myriad Autosomal Dominant, Autosomal Recessive and X-Linked Classification Criteria (2023). Collection method: clinical testing. Allele origin: unknown.
Comment: This variant is considered pathogenic. This variant has been reported in multiple individuals with clinical features of gene-specific disease [PMID: 38788146, 30877234, 26230854, 36528531, 17024664, 18580449].

Labcorp Genetics (formerly Invitae), Labcorp
Classification: Pathogenic for Von Hippel-Lindau syndrome; Chuvash polycythemia. Last evaluated: 2025-11-18. Review status: criteria provided, single submitter. Criteria: Invitae Variant Classification Sherloc (09022015). Collection method: clinical testing. Allele origin: germline.
Comment: This sequence change replaces arginine, which is basic and polar, with glutamine, which is neutral and polar, at codon 161 of the VHL protein (p.Arg161Gln). This variant is not present in population databases (gnomAD no frequency). This missense change has been observed in individual(s) with von Hippel-Lindau syndrome (PMID: 7728151, 9829911, 12000816, 14767570, 15300849, 20120764, 21362373, 23842656, 24707167). In at least one individual the variant was observed to be de novo. It has also been observed to segregate with disease in related individuals. This variant is also known as c.695G>A. ClinVar contains an entry for this variant (Variation ID: 182983). Invitae Evidence Modeling of protein sequence and biophysical properties (such as structural, functional, and spatial information, amino acid conservation, physicochemical variation, residue mobility, and thermodynamic stability) indicates that this missense variant is expected to disrupt VHL protein function with a positive predictive value of 95%. Experimental studies have shown that this missense change affects VHL function (PMID: 21715564, 25371412). For these reasons, this variant has been classified as Pathogenic.

NHS Central & South Genomic Laboratory Hub
Classification: Pathogenic for Inherited phaeochromocytoma and paraganglioma excluding NF1. Last evaluated: 2025-10-21. Review status: criteria provided, single submitter. Criteria: ACMG Guidelines, 2015. Collection method: clinical testing. Allele origin: germline. Affected: yes.

Institute for Genomic Medicine (IGM) Clinical Laboratory, Nationwide Children's Hospital
Classification: Pathogenic for Von Hippel-Lindau syndrome. Last evaluated: 2025-09-23. Review status: criteria provided, single submitter. Criteria: ACMG Guidelines, 2015. Collection method: clinical testing. Allele origin: germline.
Comment: Well-established functional studies have demonstrated this variant to have a damaging effect on protein function or splicing (ACMG/AMP: PS3_Moderate; PMIDs:21715564, 25371412, 38969834). This variant has been reported at an elevated frequency in affected individuals/in multiple affected individuals in the literature (ACMG/AMP: PS4; PMIDs:14767570, 7728151, 12000816, 15300849, 20120764, 21362373, 23842656, 24707167, 9829912). This variant is located in a mutational hot spot and/or critical and well-established functional domain (ACMG/AMP: PM1; PMID:35475554). This variant is absent from or present at an exceedingly low frequency in gnomAD, a large-scale control population database (ACMG/AMP: PM2). This variant has been reported to occur de novo in an affected individual in the literature without parental identity confirmed (ACMG/AMP: PM6; PMID:12000816). This variant has been shown to segregate with disease in multiple affected family members (ACMG/AMP: PP1_Moderate; PMIDs:20120764, 23842656). This variant is predicted to alter protein function or structure, or disrupt splicing by multiple in silico tools (ACMG/AMP: PP3).

Ambry Genetics
Classification: Pathogenic for Hereditary cancer-predisposing syndrome. Last evaluated: 2025-02-26. Review status: criteria provided, single submitter. Criteria: Ambry Variant Classification Scheme 2023. Collection method: clinical testing. Allele origin: germline.
Comment: The p.R161Q pathogenic mutation (also known as c.482G>A), located in coding exon 3 of the VHL gene, results from a G to A substitution at nucleotide position 482. The arginine at codon 161 is replaced by glutamine, an amino acid with highly similar properties. This well-described mutation has been identified in kindreds with multiple von Hippel Lindau (VHL) tumors including hemangioblastoma, renal cell carcinoma, and pheochromocytoma (PCC), and has also been identified in individuals with isolated PCC (Chen F et al. Hum Mutat. 1995; 5: 66-75; Zbar et al. Hum Mutat. 1996; 8(4): 348-57; Woodward E et al. Hum Mol Genet. 1997; 6(7):1051-6; Olschwang S et al. Hum Mutat. 1998;12(6):424-30; Stolle C et al. Hum Mutat, 1998;12:417-23; Neumann HP et al. N. Engl. J. Med. 2002 May;346(19):1459-66; Santarpia L et al. Ann N Y Acad Sci, 2006 Aug;1073:198-202; Tong A et al. Chin Med Sci J. 2009 Dec;24(4):197-201; Qi XP et al. Mol Med Rep 2013 Sep;8(3):799-805; Crona J et al. PLoS ONE 2014 Jan;9(1):e86756; Shah V et al. Clin Ophthalmol 2014 Mar;8:623-8; Pandit R et al. Eur J Endocrinol, 2016 Oct;175:311-23; Igaki J et al. Clin Pediatr Endocrinol, 2018 Apr;27:87-93; Lomte N et al. Fam Cancer, 2018 07;17:441-449; Dadeviren &Ccedil;akr A et al. J Clin Res Pediatr Endocrinol, 2018 06;10:179-182; Albattal S et al. Oncotarget, 2019 Oct;10:5919-5931). It has been reported as a de novo finding in two individuals and segregated with disease in several families (Olschwang S et al. Hum Mutat. 1998;12(6):424-30; Neumann HP et al. N. Engl. J. Med. 2002 May;346(19):1459-66; Iida K et al. Int J Mol Med, 2004 Mar;13:401-4; Qi XP et al. Mol Med Rep 2013 Sep;8(3):799-805). Functional studies have shown that p.R161Q disrupts VHL function in hypoxia signaling pathways in vitro (Couv&eacute; S et al. Cancer Res. 2014 Nov;74(22):6554-64). Of note, this alteration is also designated as p.R232Q in the published literature. This variant is considered to be rare based on population cohorts in the Genome Aggregation Database (gnomAD). This amino acid position is highly conserved in available vertebrate species. In addition, this alteration is predicted to be deleterious by in silico analysis.Based on the supporting evidence, this alteration is interpreted as a disease-causing mutation.

GeneDx
Classification: Pathogenic. Last evaluated: 2024-05-13. Review status: criteria provided, single submitter. Criteria: GeneDx Variant Classification Process June 2021. Collection method: clinical testing. Allele origin: germline. Affected: yes.
Comment: Published functional studies demonstrate a damaging effect: moderately inhibited binding to proline-hydroxylated hypoxia-inducible Factor 1A (HIF1a), increased HIF2a stability and target expression (PMID: 25371412); Not observed at significant frequency in large population cohorts (gnomAD); In silico analysis supports that this missense variant has a deleterious effect on protein structure/function; Also known as c.695G>A (p.Arg232Gln); This variant is associated with the following publications: (PMID: 21715564, 29022557, 33219105, 10587522, 14767570, 27539324, 27527340, 29124493, 19135659, 17102087, 28052007, 7728151, 9829912, 8956040, 21362373, 15300849, 9829911, 24466223, 20120764, 9215674, 24707167, 30877234, 31666924, 10900011, 32742360, 33745191, 32561571, 32901917, 30787465, 9497878, 12000816, 23842656, 25371412)

Laboratory of Molecular and Cytogenetics, Department of Anatomy, All India Institute of Medical Sciences (AIIMS)
Classification: Pathogenic for Von Hippel-Lindau syndrome. Last evaluated: 2023-05-21. Review status: criteria provided, single submitter. Criteria: ACMG Guidelines, 2015. Collection method: clinical testing. Allele origin: germline. Affected: yes. Observed: 2 variant alleles.

Department of Pathology and Laboratory Medicine, Sinai Health System
Classification: Pathogenic for Nonpapillary renal cell carcinoma; Pheochromocytoma; Von Hippel-Lindau syndrome; Chuvash polycythemia. Last evaluated: 2022-02-25. Review status: criteria provided, single submitter. Criteria: ACMG Guidelines, 2015. Collection method: clinical testing. Allele origin: germline. Affected: yes.

CeGaT Center for Human Genetics Tuebingen
Classification: Pathogenic. Last evaluated: 2020-12-01. Review status: criteria provided, single submitter. Criteria: CeGaT Center For Human Genetics Tuebingen Variant Classification Criteria Version 2. Collection method: clinical testing. Allele origin: germline. Affected: yes. Observed: 2 variant alleles.